The following is an entry in ClinVar:

ClinVar aggregate classification (germline): Likely benign (1 of 4 stars; one submission).

Allele frequency attached by ClinVar (database versions not stated): 1000 Genomes Project 30x 0.02967; 1000 Genomes Project 0.03055; TOPMed 0.03495; gnomAD 0.03514 and 0.03632.
gnomAD v4.1: 70,935 of 1,401,288 alleles (5.1%); highest among the groups gnomAD compares: South Asian, 8.3%; 2,079 homozygotes.

Submission:

GeneDx
Classification: Likely benign. Last evaluated: 2018-06-19. Review status: criteria provided, single submitter. Criteria: GeneDx Variant Classification (06012015). Collection method: clinical testing. Allele origin: germline. Affected: yes.
Comment: This variant is considered likely benign or benign based on one or more of the following criteria: it is a conservative change, it occurs at a poorly conserved position in the protein, it is predicted to be benign by multiple in silico algorithms, and/or has population frequency not consistent with disease.

NM_001003800.2(BICD2):c.2258+101G>A

Gene: BICD2 (BICD cargo adaptor 2; minus strand). Cytogenetic location: 9q22.31.
Variant type: single nucleotide variant.
Coding change: c.2258+101G>A on transcript NM_001003800.2 (MANE Select); 101 bases into the intron after coding-DNA position 2258, G replaced by A.
Molecular consequence: intron variant.
Genome position (GRCh38, 1-based): chr9:92,717,696, C>T on the plus strand (G>A on the coding strand, the complement: BICD2 is on the minus strand). VCF-style: chr9-92717696-C-T. GRCh37 (hg19) VCF-style: chr9-95479978-C-T.
Other names: c.2258+101G>A (NM_015250.4).
Identifiers: ClinVar variation 680144 (VCV000680144.1), dbSNP rs116139949, ClinGen allele CA13071169.